The following is an entry in ClinVar:

ClinVar aggregate classification (germline): not provided (0 of 4 stars; one submission).

Conditions:
Uterine leiomyoma (UL). Also called: Uterine corpus leiomyoma. Identifiers: MedGen C0042133, MONDO:0007886, OMIM 150699, HP:0000131.

Submission:

Rajkovic Lab, University of Pittsburgh
No classification provided. Condition: Leiomyoma, uterine. Review status: no classification provided. Collection method: not provided. Allele origin: somatic.
ClinVar note: Converted during submission from Associated with leiomyomas to not provided.

NM_005120.3(MED12):c.129_143del (p.Gly44_Gln48del)

Gene: MED12 (mediator complex subunit 12; plus strand). Cytogenetic location: Xq13.1.
Variant type: Deletion.
Coding change: c.129_143del on transcript NM_005120.3 (MANE Select); coding-DNA positions 129 to 143, 15 bases deleted (AGGTTTCAATAACCA).
Protein change: p.Gly44_Gln48del.
Molecular consequence: inframe deletion.
Genome position (GRCh38, 1-based): chrX:71,119,402-71,119,416, AGGTTTCAATAACCA deleted; deleting any 15 consecutive bases within chrX:71,119,400-71,119,416 gives the same sequence; the c. name uses the placement nearest the transcript's 3' end. VCF-style (leftmost placement, unchanged base first): chrX-71119399-ACAAGGTTTCAATAAC-A. GRCh37 (hg19) VCF-style: chrX-70339249-ACAAGGTTTCAATAAC-A.
Identifiers: ClinVar variation 92216 (VCV000092216.2), dbSNP rs199469692, ClinGen allele CA145561.